The following is an entry in ClinVar:

ClinVar aggregate classification (germline): Uncertain significance (1 of 4 stars; one submission).

Conditions:
Hereditary cancer-predisposing syndrome. Also called: Hereditary neoplastic syndrome; Neoplastic Syndromes, Hereditary; Tumor predisposition; Hereditary Cancer Syndrome. Identifiers: Orphanet 140162, MedGen C0027672, MeSH D009386, MONDO:0015356.

Submission:

Ambry Genetics
Classification: Uncertain significance for Hereditary cancer-predisposing syndrome. Last evaluated: 2025-01-05. Review status: criteria provided, single submitter. Criteria: Ambry Variant Classification Scheme 2023. Collection method: clinical testing. Allele origin: germline.
Comment: The p.V119A variant (also known as c.356T>C), located in coding exon 3 of the CTNNA1 gene, results from a T to C substitution at nucleotide position 356. The valine at codon 119 is replaced by alanine, an amino acid with similar properties. This amino acid position is conserved. In addition, this alteration is predicted to be tolerated by in silico analysis. Based on the available evidence, the clinical significance of this variant remains unclear.

NM_001903.5(CTNNA1):c.356T>C (p.Val119Ala)

Gene: CTNNA1 (catenin alpha 1; plus strand). Cytogenetic location: 5q31.2.
Variant type: single nucleotide variant.
Coding change: c.356T>C on transcript NM_001903.5 (MANE Select); coding-DNA position 356, T replaced by C.
Protein change: p.Val119Ala; replaces valine 119 with alanine.
Molecular consequence: missense variant. On other transcripts: intron variant (1).
Genome position (GRCh38, 1-based): chr5:138,810,092, T>C. VCF-style: chr5-138810092-T-C. GRCh37 (hg19) VCF-style: chr5-138145781-T-C.
Other names: c.356T>C, p.Val119Ala (NM_001323982.2, NM_001290307.3, NM_001323983.1 and 3 more transcripts); c.47T>C, p.Val16Ala (NM_001290309.3); c.-5-9T>C (NM_001290310.3); short protein forms V119A, V16A.
Identifiers: ClinVar variation 3837167 (VCV003837167.1).